The following is an entry in ClinVar:

ClinVar aggregate classification (germline): Likely pathogenic. Review status: reviewed by expert panel (3 of 4 stars). 2 submissions from 2 submitters: Likely pathogenic (1). 1 of the submissions does not count toward it. Last evaluated 2026-10-05.

Conditions:
Hereditary thrombocytopenia and hematological cancer predisposition syndrome associated with RUNX1. Also called: PLATELET DISORDER, ASPIRIN-LIKE; Familial Platelet Disorder with Propensity to Acute Myelogenous Leukemia; Familial thrombocytopenia with propensity to acute myelogenous leukemia; RUNX1 Familial Platelet Disorder with Associated Myeloid Malignancies. Identifiers: Orphanet 71290, MedGen C1832388, MeSH C563324, MONDO:0100083, OMIM 601399.
Hereditary thrombocytopenia and hematologic cancer predisposition syndrome. Identifiers: Orphanet 71290, MedGen CN281654, MONDO:0011071.

Submissions (2):

ClinGen Myeloid Malignancy Variant Curation Expert Panel
Classification: Likely pathogenic for Hereditary thrombocytopenia and hematologic cancer predisposition syndrome. Last evaluated: 2026-10-05. Review status: reviewed by expert panel. Criteria: ClinGen MyeloMalig ACMG Specifications V3.1. Collection method: curation. Allele origin: germline. Inheritance: Autosomal dominant inheritance.
Comment: NM_001754.5(RUNX1):c.318G>T (p.Trp106Cys) is a missense variant which has a REVEL score ≥ 0.88 (0.95) (PP3) and is completely absent from all population databases with at least 20x coverage for RUNX1 (PM2_Supporting). This variant is a missense change at the same residue (p.Trp106) where two different missense changes have been previously established as pathogenic variants (PM5_Strong; ClinVar ID: 436617, 1045299). In summary, this variant meets criteria to be classified as likely pathogenic. ACMG/AMP criteria applied, as specified by the Myeloid Malignancy Variant Curation Expert Panel for RUNX1: PP3, PM2_Supporting, PM5_Strong

Labcorp Genetics (formerly Invitae), Labcorp
Classification: Uncertain significance for Hereditary thrombocytopenia and hematological cancer predisposition syndrome associated with RUNX1. Last evaluated: 2023-03-11. Review status: criteria provided, single submitter. Criteria: Invitae Variant Classification Sherloc (09022015). Collection method: clinical testing. Allele origin: germline. Not counted in ClinVar's aggregate classification.
Comment: Advanced modeling of protein sequence and biophysical properties (such as structural, functional, and spatial information, amino acid conservation, physicochemical variation, residue mobility, and thermodynamic stability) performed at Invitae indicates that this missense variant is expected to disrupt RUNX1 protein function. This variant is also known as W79C. This variant has not been reported in the literature in individuals affected with RUNX1-related conditions. This variant is not present in population databases (gnomAD no frequency). This sequence change replaces tryptophan, which is neutral and slightly polar, with cysteine, which is neutral and slightly polar, at codon 106 of the RUNX1 protein (p.Trp106Cys). Experimental studies are conflicting or provide insufficient evidence to determine the effect of this variant on RUNX1 function (PMID: 22012064, 23817177). In summary, the available evidence is currently insufficient to determine the role of this variant in disease. Therefore, it has been classified as a Variant of Uncertain Significance.

Literature cited by the submitters: PubMed 22012064 (cited by Labcorp Genetics (formerly Invitae), Labcorp); PubMed 23817177 (cited by Labcorp Genetics (formerly Invitae), Labcorp).

NM_001754.5(RUNX1):c.318G>T (p.Trp106Cys)

Gene: RUNX1 (RUNX family transcription factor 1; minus strand). Cytogenetic location: 21q22.12.
Variant type: single nucleotide variant.
Coding change: c.318G>T on transcript NM_001754.5 (MANE Select); coding-DNA position 318, G replaced by T.
Protein change: p.Trp106Cys; replaces tryptophan 106 with cysteine.
Molecular consequence: missense variant.
Genome position (GRCh38, 1-based): chr21:34,886,876, C>A on the plus strand (G>T on the coding strand, the complement: RUNX1 is on the minus strand). VCF-style: chr21-34886876-C-A. GRCh37 (hg19) VCF-style: chr21-36259173-C-A.
Other names: NM_001754.5(RUNX1):c.318G>T; p.Trp106Cys; c.237G>T, p.Trp79Cys (NM_001001890.3, NM_001122607.2); short protein forms W106C, W79C.
Identifiers: ClinVar variation 2844927 (VCV002844927.5), dbSNP rs2146408539, ClinGen allele CA410203495.